The following is an entry in ClinVar:

NM_001278.5(CHUK):c.475-2A>C

Gene: CHUK (component of inhibitor of nuclear factor kappa B kinase complex; minus strand). Cytogenetic location: 10q24.31.
Variant type: single nucleotide variant.
Coding change: c.475-2A>C on transcript NM_001278.5 (MANE Select); the canonical splice acceptor site of the intron before coding-DNA position 475, A replaced by C.
Molecular consequence: splice acceptor variant.
Genome position (GRCh38, 1-based): chr10:100,219,361, T>G on the plus strand (A>C on the coding strand, the complement: CHUK is on the minus strand). VCF-style: chr10-100219361-T-G. GRCh37 (hg19) VCF-style: chr10-101979118-T-G.
Other names: c.475-2A>C (NM_001441063.1, NM_001441064.1, NM_001320928.2 and 1 more transcripts); c.193-2A>C (NM_001441065.1); c.-28-2A>C (NM_001441066.1).
Identifiers: ClinVar variation 4728667 (VCV004728667.1).

ClinVar aggregate classification (germline): Likely pathogenic (1 of 4 stars; one submission).

Submission:

Labcorp Genetics (formerly Invitae), Labcorp
Classification: Likely pathogenic. Last evaluated: 2025-10-07. Review status: criteria provided, single submitter. Criteria: Invitae Variant Classification Sherloc (09022015). Collection method: clinical testing. Allele origin: germline.
Comment: This sequence change affects an acceptor splice site in intron 5 of the CHUK gene. It is expected to disrupt RNA splicing. Variants that disrupt the donor or acceptor splice site typically lead to a loss of protein function (PMID: 16199547), and loss-of-function variants in CHUK are known to be pathogenic (PMID: 20961246, 25691407, 29523099). This variant is not present in population databases (gnomAD no frequency). This variant has not been reported in the literature in individuals affected with CHUK-related conditions. Algorithms developed to predict the effect of sequence changes on RNA splicing suggest that this variant may disrupt the consensus splice site. In summary, the currently available evidence indicates that the variant is pathogenic, but additional data are needed to prove that conclusively. Therefore, this variant has been classified as Likely Pathogenic.

Literature cited by the submitters: PubMed 16199547; PubMed 20961246; PubMed 25691407; PubMed 29523099.